The following is an entry in ClinVar:

ClinVar aggregate classification (germline): Uncertain significance. Review status: criteria provided, multiple submitters, no conflicts (2 of 4 stars). 2 submissions from 2 submitters: Uncertain significance (2). Last evaluated 2026-08-07.

Conditions:
Inborn genetic diseases. Identifiers: MedGen C0950123, MeSH D030342.
VPS13B-related disorder. Also called: VPS13B-related condition.

gnomAD v4.1: 2 of 1,613,836 alleles (0.00012%); highest among the groups gnomAD compares: Admixed American, 0.0017%; no homozygotes.

Submissions (2):

PreventionGenetics, part of Exact Sciences
Classification: Uncertain significance for VPS13B-related condition. Last evaluated: 2026-08-07. Review status: criteria provided, single submitter. Criteria: ACMG Guidelines, 2015. Collection method: clinical testing. Allele origin: germline.
Comment: The VPS13B c.8705G>A variant is predicted to result in the amino acid substitution p.Gly2902Asp. To our knowledge, this variant has not been reported in the literature. This variant is reported in 0.0029% of alleles in individuals of Latino descent in gnomAD. At this time, the clinical significance of this variant is uncertain due to the absence of conclusive functional and genetic evidence.

Ambry Genetics
Classification: Uncertain significance for Inborn genetic diseases. Last evaluated: 2025-10-03. Review status: criteria provided, single submitter. Criteria: Ambry Variant Classification Scheme 2023. Collection method: clinical testing. Allele origin: germline.

NM_152564.5(VPS13B):c.8705G>A (p.Gly2902Asp)

Gene: VPS13B (vacuolar protein sorting 13 homolog B; plus strand). Cytogenetic location: 8q22.2.
Variant type: single nucleotide variant.
Coding change: c.8705G>A on transcript NM_152564.5 (MANE Select); coding-DNA position 8705, G replaced by A.
Protein change: p.Gly2902Asp; replaces glycine 2902 with aspartic acid.
Molecular consequence: missense variant.
Genome position (GRCh38, 1-based): chr8:99,819,495, G>A. VCF-style: chr8-99819495-G-A. GRCh37 (hg19) VCF-style: chr8-100831723-G-A.
Other names: c.8780G>A, p.Gly2927Asp (NM_017890.5); short protein forms G2902D, G2927D.
Identifiers: ClinVar variation 4634418 (VCV004634418.2).